The following is an entry in ClinVar:

NM_001754.5(RUNX1):c.761A>G (p.Asn254Ser)

Gene: RUNX1 (RUNX family transcription factor 1; minus strand). Cytogenetic location: 21q22.12.
Variant type: single nucleotide variant.
Coding change: c.761A>G on transcript NM_001754.5 (MANE Select); coding-DNA position 761, A replaced by G.
Protein change: p.Asn254Ser; replaces asparagine 254 with serine.
Molecular consequence: missense variant.
Genome position (GRCh38, 1-based): chr21:34,834,454, T>C on the plus strand (A>G on the coding strand, the complement: RUNX1 is on the minus strand). VCF-style: chr21-34834454-T-C. GRCh37 (hg19) VCF-style: chr21-36206751-T-C.
Other names: NM_001754.5(RUNX1):c.761A>G; p.Asn254Ser; c.680A>G, p.Asn227Ser (NM_001001890.3, NM_001122607.2); short protein forms N227S, N254S.
Identifiers: ClinVar variation 1319383 (VCV001319383.5), dbSNP rs2146075026, ClinGen allele CA410206747.

ClinVar aggregate classification (germline): Uncertain significance. Review status: reviewed by expert panel (3 of 4 stars). 3 submissions from 3 submitters: Uncertain significance (1). 2 of the submissions do not count toward it. Last evaluated 2024-09-25.

Conditions:
Acute myeloid leukemia (AML). Also called: Leukemia, acute myeloid, somatic; Leukemia, acute myelogenous, somatic; Acute myeloid leukemia, adult; AML adult; Acute non-lymphocytic leukemia; Acute granulocytic leukemia. Identifiers: Orphanet 519, MedGen C0023467, MeSH D015470, MONDO:0018874, OMIM 601626, HP:0004808. Disease mechanism: Constitutively activated FLT3.
Hereditary thrombocytopenia and hematologic cancer predisposition syndrome. Identifiers: Orphanet 71290, MedGen CN281654, MONDO:0011071.

Allele frequency attached by ClinVar (database versions not stated): gnomAD exomes below 0.00001.
gnomAD v4.1: 1 of 1,612,172 alleles (0.000062%); highest among the groups gnomAD compares: Non-Finnish European, 0.000085%; no homozygotes.

Submissions (3):

ClinGen Myeloid Malignancy Variant Curation Expert Panel
Classification: Uncertain significance for Hereditary thrombocytopenia and hematologic cancer predisposition syndrome. Last evaluated: 2024-09-25. Review status: reviewed by expert panel. Criteria: ClinGen MyeloMalig ACMG Specifications v2. Collection method: curation. Allele origin: germline. Inheritance: Autosomal dominant inheritance.
Comment: NM_001754.5(RUNX1):c.761A>G (p.Asn254Ser) is a missense variant which has a REVEL score < 0.50 (0.277) and a SpliceAI score ≤ 0.20 (0.02) (BP4). This variant is completely absent from all population databases with at least 20x coverage for RUNX1 (PM2_Supporting). In summary, the clinical significance of this variant is uncertain. ACMG/AMP criteria applied, as specified by the Myeloid Malignancy Variant Curation Expert Panel for RUNX1: BP4, PM2_supporting.

Baylor Genetics
Classification: Uncertain significance for Acute myeloid leukemia. Last evaluated: 2023-11-29. Review status: criteria provided, single submitter. Criteria: ACMG Guidelines, 2015. Collection method: clinical testing. Allele origin: unknown. Not counted in ClinVar's aggregate classification.

Institute for Clinical Genetics, University Hospital TU Dresden, University Hospital TU Dresden
Classification: Uncertain significance. Last evaluated: 2021-11-03. Review status: criteria provided, single submitter. Criteria: ACMG Guidelines, 2015. Collection method: clinical testing. Allele origin: germline. Not counted in ClinVar's aggregate classification.